The following is an entry in ClinVar:

ClinVar aggregate classification (germline): Uncertain significance. Review status: criteria provided, multiple submitters, no conflicts (2 of 4 stars). 2 submissions from 2 submitters: Uncertain significance (2). Last evaluated 2025-11-11.

Conditions:
Cardiovascular phenotype. Identifiers: MedGen CN230736.
Legius syndrome. Identifiers: Orphanet 137605, MedGen C1969623, MONDO:0012669, OMIM 611431. Disease mechanism: loss of function.

Allele frequency attached by ClinVar (database versions not stated): gnomAD exomes below 0.00001; ExAC 0.00001.
gnomAD v4.1: 2 of 1,614,112 alleles (0.00012%); highest among the groups gnomAD compares: Non-Finnish European, 0.00017%; no homozygotes.

Submissions (2):

Ambry Genetics
Classification: Uncertain significance for Cardiovascular phenotype. Last evaluated: 2025-11-11. Review status: criteria provided, single submitter. Criteria: Ambry Variant Classification Scheme 2023. Collection method: clinical testing. Allele origin: germline.
Comment: The p.R326T variant (also known as c.977G>C), located in coding exon 7 of the SPRED1 gene, results from a G to C substitution at nucleotide position 977. The arginine at codon 326 is replaced by threonine, an amino acid with similar properties. This amino acid position is conserved. In addition, the in silico prediction for this alteration is inconclusive. Based on the available evidence, the clinical significance of this variant remains unclear.

Labcorp Genetics (formerly Invitae), Labcorp
Classification: Uncertain significance for Legius syndrome. Last evaluated: 2023-08-10. Review status: criteria provided, single submitter. Criteria: Invitae Variant Classification Sherloc (09022015). Collection method: clinical testing. Allele origin: germline.
Comment: In summary, the available evidence is currently insufficient to determine the role of this variant in disease. Therefore, it has been classified as a Variant of Uncertain Significance. Advanced modeling of protein sequence and biophysical properties (such as structural, functional, and spatial information, amino acid conservation, physicochemical variation, residue mobility, and thermodynamic stability) performed at Invitae indicates that this missense variant is not expected to disrupt SPRED1 protein function. This variant has not been reported in the literature in individuals affected with SPRED1-related conditions. This variant is present in population databases (rs750890621, gnomAD 0.0009%). This sequence change replaces arginine, which is basic and polar, with threonine, which is neutral and polar, at codon 326 of the SPRED1 protein (p.Arg326Thr).

NM_152594.3(SPRED1):c.977G>C (p.Arg326Thr)

Gene: SPRED1 (sprouty related EVH1 domain containing 1; plus strand). Cytogenetic location: 15q14.
Variant type: single nucleotide variant.
Coding change: c.977G>C on transcript NM_152594.3 (MANE Select); coding-DNA position 977, G replaced by C.
Protein change: p.Arg326Thr; replaces arginine 326 with threonine.
Molecular consequence: missense variant.
Genome position (GRCh38, 1-based): chr15:38,351,306, G>C. VCF-style: chr15-38351306-G-C. GRCh37 (hg19) VCF-style: chr15-38643507-G-C.
Other names: c.977G>C (NM_152594.2); short protein forms R326T.
Identifiers: ClinVar variation 2920601 (VCV002920601.4), dbSNP rs750890621, ClinGen allele CA7470213.